The following is an entry in ClinVar:

ClinVar aggregate classification (germline): Uncertain significance (1 of 4 stars; one submission).

Conditions:
Inborn genetic diseases. Identifiers: MedGen C0950123, MeSH D030342.

Allele frequency attached by ClinVar (database versions not stated): TOPMed below 0.00001; gnomAD 0.00001.
gnomAD v4.1: 2 of 1,614,052 alleles (0.00012%); highest among the groups gnomAD compares: African/African-American, 0.0027%; no homozygotes.

Submission:

Ambry Genetics
Classification: Uncertain significance for Inborn genetic diseases. Last evaluated: 2023-04-07. Review status: criteria provided, single submitter. Criteria: Ambry Variant Classification Scheme 2023. Collection method: clinical testing. Allele origin: germline.
Comment: The p.D765N variant (also known as c.2293G>A), located in coding exon 16 of the MIB1 gene, results from a G to A substitution at nucleotide position 2293. The aspartic acid at codon 765 is replaced by asparagine, an amino acid with highly similar properties. This amino acid position is conserved. In addition, this alteration is predicted to be tolerated by in silico analysis. Since supporting evidence is limited at this time, the clinical significance of this alteration remains unclear.

NM_020774.4(MIB1):c.2293G>A (p.Asp765Asn)

Gene: MIB1 (MIB E3 ubiquitin protein ligase 1; plus strand). Cytogenetic location: 18q11.2.
Variant type: single nucleotide variant.
Coding change: c.2293G>A on transcript NM_020774.4 (MANE Select); coding-DNA position 2293, G replaced by A.
Protein change: p.Asp765Asn; replaces aspartic acid 765 with asparagine.
Molecular consequence: missense variant.
Genome position (GRCh38, 1-based): chr18:21,847,025, G>A. VCF-style: chr18-21847025-G-A. GRCh37 (hg19) VCF-style: chr18-19426986-G-A.
Other names: short protein forms D765N.
Identifiers: ClinVar variation 2563672 (VCV002563672.2), dbSNP rs1483489029, ClinGen allele CA401795576.
Genomic context (GRCh38, chr18:21,847,025, plus strand): 5'-CAGGGGGCAGAGAAGAAGAGTGCAGCATCTATTGCCTGTTTCTTGGCAGCCAATGGTGCT[G>A]ACCTGAGCATTCGAAATAAGAAGGGTCAATCGCCACTTGATCTCTGTCCTGATCCGAATC-3'
Protein context (NP_065825.1, residues 755-775): IACFLAANGA[Asp765Asn]LSIRNKKGQS